The following is an entry in ClinVar:

ClinVar aggregate classification (germline): Likely benign. Review status: criteria provided, multiple submitters, no conflicts (2 of 4 stars). 4 submissions from 4 submitters: Likely benign (3). 1 of the submissions does not count toward it. Last evaluated 2025-12-05.

Conditions:
NSD2-related disorder. Also called: NSD2-related condition; NSD2 related disorders.

Allele frequency attached by ClinVar (database versions not stated): 1000 Genomes Project 0.00100; ESP Exome Variant Server 0.00108; 1000 Genomes Project 30x 0.00109; gnomAD exomes 0.00130 and 0.00069; ExAC 0.00068; gnomAD 0.00076 and 0.00077; TOPMed 0.00077.
gnomAD v4.1: 1,985 of 1,614,094 alleles (0.12%); highest among the groups gnomAD compares: Non-Finnish European, 0.16%; no homozygotes.

Submissions (4):

Labcorp Genetics (formerly Invitae), Labcorp
Classification: Likely benign. Last evaluated: 2025-12-05. Review status: criteria provided, single submitter. Criteria: Invitae Variant Classification Sherloc (09022015). Collection method: clinical testing. Allele origin: germline.

CeGaT Center for Human Genetics Tuebingen
Classification: Likely benign. Last evaluated: 2025-06-01. Review status: criteria provided, single submitter. Criteria: CeGaT Center For Human Genetics Tuebingen Variant Classification Criteria Version 2. Collection method: clinical testing. Allele origin: germline. Affected: yes. Observed: 3 variant alleles.
Comment: NSD2: BP4, BP7

Blueprint Genetics
Classification: Likely benign. Last evaluated: 2024-09-23. Review status: criteria provided, single submitter. Criteria: ACMG Guidelines, 2015. Collection method: clinical testing. Allele origin: germline.

PreventionGenetics, part of Exact Sciences
Classification: Likely benign for NSD2-related condition. Last evaluated: 2019-06-07. Review status: no assertion criteria provided. Collection method: clinical testing. Allele origin: germline. Not counted in ClinVar's aggregate classification.
Comment: This variant is classified as likely benign based on ACMG/AMP sequence variant interpretation guidelines (Richards et al. 2015 PMID: 25741868, with internal and published modifications).

NM_001042424.3(NSD2):c.3582A>G (p.Gly1194=)

Gene: NSD2 (nuclear receptor binding SET domain protein 2; plus strand). Cytogenetic location: 4p16.3.
Variant type: single nucleotide variant.
Coding change: c.3582A>G on transcript NM_001042424.3 (MANE Select); coding-DNA position 3582, A replaced by G.
Protein change: p.Gly1194=; no amino-acid change (glycine 1194 retained).
Molecular consequence: synonymous variant.
Genome position (GRCh38, 1-based): chr4:1,975,361, A>G. VCF-style: chr4-1975361-A-G. GRCh37 (hg19) VCF-style: chr4-1977088-A-G.
Other names: c.3582A>G, p.Gly1194= (NM_133330.3, NM_133331.3, NM_133335.4); c.3582A>G (NM_001042424.2).
Identifiers: ClinVar variation 348447 (VCV000348447.46), dbSNP rs149284685, ClinGen allele CA2812817.